The following is an entry in ClinVar:

ClinVar aggregate classification (germline): Benign/Likely benign. Review status: criteria provided, multiple submitters, no conflicts (2 of 4 stars). 4 submissions from 4 submitters: Benign (1); Likely benign (3). Last evaluated 2025-10-27.

Conditions:
Hereditary cancer-predisposing syndrome. Also called: Hereditary Cancer Syndrome; Hereditary neoplastic syndrome; Neoplastic Syndromes, Hereditary; Tumor predisposition. Identifiers: Orphanet 140162, MedGen C0027672, MeSH D009386, MONDO:0015356.
Familial cancer of breast. Also called: hereditary breast carcinoma; BREAST CANCER, FAMILIAL; Hereditary breast cancer. Identifiers: Orphanet 227535, MedGen C0346153, MONDO:0016419, OMIM 114480. Disease mechanism: loss of function.
Ataxia-telangiectasia syndrome (AT). Also called: Ataxia-telangiectasia, complementation group E; LOUIS-BAR SYNDROME; Cerebello-oculocutaneous telangiectasia; Immunodeficiency with ataxia telangiectasia; Ataxia-telangiectasia, complementation group D; AT, COMPLEMENTATION GROUP C. Identifiers: Orphanet 100, MedGen C0004135, MONDO:0008840, OMIM 208900.

Allele frequency attached by ClinVar (database versions not stated): gnomAD exomes below 0.00001.
gnomAD v4.1: 2 of 1,614,062 alleles (0.00012%); highest among the groups gnomAD compares: East Asian, 0.0022%; no homozygotes.

Submissions (4):

Labcorp Genetics (formerly Invitae), Labcorp
Classification: Likely benign for Ataxia-telangiectasia syndrome. Last evaluated: 2025-10-27. Review status: criteria provided, single submitter. Criteria: Invitae Variant Classification Sherloc (09022015). Collection method: clinical testing. Allele origin: germline.

Myriad Genetics, Inc.
Classification: Benign for Familial cancer of breast. Last evaluated: 2024-05-02. Review status: criteria provided, single submitter. Criteria: Myriad Autosomal Dominant, Autosomal Recessive and X-Linked Classification Criteria (2023). Collection method: clinical testing. Allele origin: unknown.
Comment: This variant is considered benign. This variant is a silent/synonymous amino acid change and it is not expected to impact splicing.

Ambry Genetics
Classification: Likely benign for Hereditary cancer-predisposing syndrome. Last evaluated: 2019-08-10. Review status: criteria provided, single submitter. Criteria: Ambry Variant Classification Scheme 2023. Collection method: clinical testing. Allele origin: germline.

Color Diagnostics, LLC DBA Color Health
Classification: Likely benign for Hereditary cancer-predisposing syndrome. Last evaluated: 2018-11-01. Review status: criteria provided, single submitter. Criteria: ACMG Guidelines, 2015. Collection method: clinical testing. Allele origin: germline.

NM_000051.4(ATM):c.1983C>T (p.Asp661=)

Gene: ATM (ATM serine/threonine kinase; plus strand). Cytogenetic location: 11q22.3.
Variant type: single nucleotide variant.
Coding change: c.1983C>T on transcript NM_000051.4 (MANE Select); coding-DNA position 1983, C replaced by T.
Protein change: p.Asp661=; no amino-acid change (aspartic acid 661 retained).
Molecular consequence: synonymous variant.
Genome position (GRCh38, 1-based): chr11:108,253,898, C>T. VCF-style: chr11-108253898-C-T. GRCh37 (hg19) VCF-style: chr11-108124625-C-T.
Other names: c.1983C>T, p.Asp661= (NM_001351834.2).
Identifiers: ClinVar variation 918494 (VCV000918494.14), dbSNP rs2080301965, ClinGen allele CA476672394.